The following is an entry in ClinVar:

NM_000702.4(ATP1A2):c.1799T>C (p.Val600Ala)

Gene: ATP1A2 (ATPase Na+/K+ transporting subunit alpha 2; plus strand). Cytogenetic location: 1q23.2.
Variant type: single nucleotide variant.
Coding change: c.1799T>C on transcript NM_000702.4 (MANE Select); coding-DNA position 1799, T replaced by C.
Protein change: p.Val600Ala; replaces valine 600 with alanine.
Molecular consequence: missense variant.
Genome position (GRCh38, 1-based): chr1:160,130,569, T>C. VCF-style: chr1-160130569-T-C. GRCh37 (hg19) VCF-style: chr1-160100359-T-C.
Other names: short protein forms V600A.
Identifiers: ClinVar variation 4527822 (VCV004527822.1).

ClinVar aggregate classification (germline): Likely pathogenic (1 of 4 stars; one submission).

Submission:

GeneDx
Classification: Likely pathogenic. Last evaluated: 2025-05-05. Review status: criteria provided, single submitter. Criteria: GeneDx Variant Classification Process June 2021. Collection method: clinical testing. Allele origin: germline. Affected: yes.
Comment: Not observed at significant frequency in large population cohorts (gnomAD); In silico analysis supports that this missense variant has a deleterious effect on protein structure/function; This variant is associated with the following publications: (PMID: 27445835, 18184292, 22759692)